The following is an entry in ClinVar:

ClinVar aggregate classification (germline): Uncertain significance (1 of 4 stars; one submission).

Conditions:
Heterotopia, periventricular, X-linked dominant (PVNH1). Also called: PERIVENTRICULAR NODULAR HETEROTOPIA 1; X-linked periventricular heterotopia; PERIVENTRICULAR NODULAR HETEROTOPIA 4; HETEROTOPIA, PERIVENTRICULAR, 1. Identifiers: Orphanet 2149, Orphanet 82004, MedGen C1848213, MONDO:0010233, OMIM 300049.
Melnick-Needles syndrome (MNS). Also called: Melnick-Needles Syndrome (FLNA-MNS); MELNICK-NEEDLES OSTEODYSPLASTY; OSTEODYSPLASTY OF MELNICK AND NEEDLES. Identifiers: Orphanet 2484, MedGen C0025237, MONDO:0010650, OMIM 309350.
Frontometaphyseal dysplasia (FMD1). Identifiers: Orphanet 1826, MedGen C0265293, MONDO:0015942.
Oto-palato-digital syndrome, type II (OPD2). Also called: Otopalatodigital Syndrome Type 2 (FLNA-OPD2); FACIOPALATOOSSEOUS SYNDROME; OPD II SYNDROME; Otopalatodigital Syndrome, Type II. Identifiers: Orphanet 669, Orphanet 90652, MedGen C1844696, MONDO:0010571, OMIM 304120.

Submission:

Labcorp Genetics (formerly Invitae), Labcorp
Classification: Uncertain significance for Oto-palato-digital syndrome, type II; Heterotopia, periventricular, X-linked dominant; Frontometaphyseal dysplasia; Melnick-Needles syndrome. Last evaluated: 2023-07-27. Review status: criteria provided, single submitter. Criteria: Invitae Variant Classification Sherloc (09022015). Collection method: clinical testing. Allele origin: germline.
Comment: This sequence change falls in intron 43 of the FLNA gene. It does not directly change the encoded amino acid sequence of the FLNA protein. It affects a nucleotide within the consensus splice site. This variant is not present in population databases (gnomAD no frequency). This variant has been observed in individual(s) with clinical features of FLNA-related conditions (Invitae). Variants that disrupt the consensus splice site are a relatively common cause of aberrant splicing (PMID: 17576681, 9536098). Algorithms developed to predict the effect of sequence changes on RNA splicing suggest that this variant may create or strengthen a splice site. In summary, the available evidence is currently insufficient to determine the role of this variant in disease. Therefore, it has been classified as a Variant of Uncertain Significance.

Literature cited by the submitters: PubMed 17576681; PubMed 9536098.

NM_001110556.2(FLNA):c.7156+3G>C

Gene: FLNA (filamin A; minus strand). Cytogenetic location: Xq28.
Variant type: single nucleotide variant.
Coding change: c.7156+3G>C on transcript NM_001110556.2 (MANE Select); 3 bases into the intron after coding-DNA position 7156, G replaced by C.
Molecular consequence: intron variant.
Genome position (GRCh38, 1-based): chrX:154,350,906, C>G on the plus strand (G>C on the coding strand, the complement: FLNA is on the minus strand). VCF-style: chrX-154350906-C-G. GRCh37 (hg19) VCF-style: chrX-153579274-C-G.
Other names: c.7132+3G>C (NM_001456.4).
Identifiers: ClinVar variation 2950311 (VCV002950311.3), dbSNP rs2522716836, ClinGen allele CA2740090177.